The following is an entry in ClinVar:

NM_000329.3(RPE65):c.1459_1460del (p.Leu487fs)

Gene: RPE65 (retinoid isomerohydrolase RPE65; minus strand). Cytogenetic location: 1p31.3.
Variant type: Deletion.
Coding change: c.1459_1460del on transcript NM_000329.3 (MANE Select); coding-DNA positions 1459 to 1460, 2 bases deleted (CT; older notation c.1459_1460delCT).
Protein change: p.Leu487fs; shifts the reading frame from leucine 487.
Molecular consequence: frameshift variant.
Genome position (GRCh38, 1-based): chr1:68,429,918-68,429,919, AG deleted on the plus strand (CT on the coding strand, the reverse complement: RPE65 is on the minus strand); deleting any 2 consecutive bases within chr1:68,429,918-68,429,920 gives the same sequence; the c. name uses the placement nearest the transcript's 3' end. VCF-style (leftmost placement, unchanged base first): chr1-68429917-CAG-C. GRCh37 (hg19) VCF-style: chr1-68895600-CAG-C.
Other names: NM_000329.3:c.1459_1460del; c.1351_1352del, p.Leu451fs (NM_001406853.1); c.1183_1184del, p.Leu395fs (NM_001406856.1, NM_001406857.1); short protein forms L395fs, L451fs, L487fs.
Identifiers: ClinVar variation 3255518 (VCV003255518.1), dbSNP rs2523396890.
Genomic context (GRCh38, chr1:68,429,917, plus strand): 5'-GGCATTCAGAATCAGGAGATAAGCAGGCTTTTGTCCTGCTCCTGGGCTCACCACCACACT[CAG>C]AACTACACCTGTTTATCAGAAGTAAATTAGGCAATATTGAGTTTTTAAAAGCCCAAGCTA-3'

ClinVar aggregate classification (germline): Pathogenic (3 of 4 stars; one submission).

Conditions:
RPE65-related recessive retinopathy. Also called: Recessive RPE65 retinopathy. Identifiers: MedGen CN305526, MONDO:0100368.

Submission:

ClinGen Leber Congenital Amaurosis/early Onset Retinal Dystrophy Variant Curation Expert Panel, ClinGen
Classification: Pathogenic for RPE65-related recessive retinopathy. Last evaluated: 2024-07-23. Review status: reviewed by expert panel. Criteria: ClinGen LCAeoRD ACMG Specifications RPE65 V1.0.0. Collection method: curation. Allele origin: germline. Inheritance: Autosomal recessive inheritance.
Comment: NM_000329.3(RPE65):c.1459_1460del (p.Leu487GlufsTer25) is a frameshift variant that introduces a premature stop codon into exon 14 of 14, which is predicted not to trigger nonsense-mediated decay but rather to C-terminally truncate the protein product before position 528, disrupting functionally critical residues required for the active site (PVS1). This variant is absent from gnomAD v4.1.0 (PM2_Supporting). This variant has been reported in at least 1 proband with early-onset severe retinal dystrophy who was homozygous for the variant (0.5 points, PMID: 23105016, PM3_Supporting). In summary, this variant meets the criteria to be classified as pathogenic for RPE65-related recessive retinopathy based on the ACMG/AMP criteria applied, as specified by the ClinGen LCA / eoRD VCEP: PVS1, PM2_Supporting, and PM3_Supporting. (VCEP specifications version 1.0.0; date of approval 09/21/2023).